The following is an entry in ClinVar:

NM_001111.5(ADAR):c.1785+5G>A

Gene: ADAR (adenosine deaminase RNA specific; minus strand). Cytogenetic location: 1q21.3.
Variant type: single nucleotide variant.
Coding change: c.1785+5G>A on transcript NM_001111.5 (MANE Select); 5 bases into the intron after coding-DNA position 1785, G replaced by A.
Molecular consequence: intron variant.
Genome position (GRCh38, 1-based): chr1:154,598,397, C>T on the plus strand (G>A on the coding strand, the complement: ADAR is on the minus strand). VCF-style: chr1-154598397-C-T. GRCh37 (hg19) VCF-style: chr1-154570873-C-T.
Other names: c.900+5G>A (NM_001365046.1, NM_001025107.3, NM_001365048.1 and 3 more transcripts); c.1812+5G>A (NM_001365045.1); c.1785+5G>A (NM_015841.4, NM_015840.4).
Identifiers: ClinVar variation 874461 (VCV000874461.11), dbSNP rs17843866, ClinGen allele CA1131482.

ClinVar aggregate classification (germline): Conflicting classifications of pathogenicity. Review status: criteria provided, conflicting classifications (1 of 4 stars). 2 submissions from 2 submitters: Uncertain significance (1); Benign (1). Last evaluated 2025-11-14.

Conditions:
Aicardi-Goutieres syndrome 6 (AGS6). Identifiers: Orphanet 51, MedGen C3539013, MONDO:0014007, OMIM 615010.
Symmetrical dyschromatosis of extremities (DSH). Also called: SYMMETRIC DYSCHROMATOSIS OF THE EXTREMITIES; Dyschromatosis symmetrica hereditaria; DYSCHROMATOSIS SYMMETRICA HEREDITARIA 1; RETICULATE ACROPIGMENTATION OF DOHI. Identifiers: Orphanet 41, MedGen C0406775, MONDO:0007483, OMIM 127400.

Allele frequency attached by ClinVar (database versions not stated): 1000 Genomes Project 0.00040; TOPMed 0.00001; gnomAD 0.00002 and 0.00006; gnomAD exomes 0.00008 and 0.00020; ExAC 0.00012; 1000 Genomes Project 30x 0.00031.
gnomAD v4.1: 287 of 1,614,028 alleles (0.018%); highest among the groups gnomAD compares: East Asian, 0.63%; 2 homozygotes.

Submissions (6):

Labcorp Genetics (formerly Invitae), Labcorp
Classification: Uncertain significance for Aicardi-Goutieres syndrome 6; Symmetrical dyschromatosis of extremities. Last evaluated: 2025-11-14. Review status: criteria provided, single submitter. Criteria: Invitae Variant Classification Sherloc (09022015). Collection method: clinical testing. Allele origin: germline.
Comment: This sequence change falls in intron 3 of the ADAR gene. It does not directly change the encoded amino acid sequence of the ADAR protein. It affects a nucleotide within the consensus splice site. This variant is present in population databases (rs17843866, gnomAD 0.1%). This variant has not been reported in the literature in individuals affected with ADAR-related conditions. ClinVar contains an entry for this variant (Variation ID: 874461). Variants that disrupt the consensus splice site are a relatively common cause of aberrant splicing (PMID: 17576681, 9536098). Algorithms developed to predict the effect of sequence changes on RNA splicing suggest that this variant is not likely to affect RNA splicing. In summary, the available evidence is currently insufficient to determine the role of this variant in disease. Therefore, it has been classified as a Variant of Uncertain Significance.

Illumina Laboratory Services, Illumina
Classification: Benign for Symmetrical dyschromatosis of extremities. Last evaluated: 2018-01-12. Review status: criteria provided, single submitter. Criteria: ICSL Variant Classification Criteria 13 December 2019. Collection method: clinical testing. Allele origin: germline.
Comment: This variant was observed in the ICSL laboratory as part of a predisposition screen in an ostensibly healthy population. It had not been previously curated by ICSL or reported in the Human Gene Mutation Database (HGMD: prior to June 1st, 2018), and was therefore a candidate for classification through an automated scoring system. Utilizing variant allele frequency, disease prevalence and penetrance estimates, and inheritance mode, an automated score was calculated to assess if this variant is too frequent to cause the disease. Based on the score and internal cut-off values, a variant classified as benign is not then subjected to further curation. The score for this variant resulted in a classification of benign for this disease.

Dr. Peter K. Rogan Lab, Western University
No classification provided (evidence only). Condition: Gastric cancer. Review status: no classification provided. Collection method: in vitro. Allele origin: not applicable. Functional consequence: retained intron. Not counted in ClinVar's aggregate classification.

Dr. Peter K. Rogan Lab, Western University
No classification provided (evidence only). Condition: Hepatocellular carcinoma. Review status: no classification provided. Collection method: in vitro. Allele origin: not applicable. Functional consequence: retained intron. Not counted in ClinVar's aggregate classification.

Dr. Peter K. Rogan Lab, Western University
No classification provided (evidence only). Condition: Hepatocellular carcinoma. Review status: no classification provided. Collection method: in vitro. Allele origin: not applicable. Functional consequence: retained intron. Not counted in ClinVar's aggregate classification.

Dr. Peter K. Rogan Lab, Western University
No classification provided (evidence only). Condition: Hepatocellular carcinoma. Review status: no classification provided. Collection method: in vitro. Allele origin: not applicable. Functional consequence: retained intron. Not counted in ClinVar's aggregate classification.

Literature cited by the submitters: PubMed 17576681 (cited by Labcorp Genetics (formerly Invitae), Labcorp); PubMed 9536098 (cited by Labcorp Genetics (formerly Invitae), Labcorp).